The following is an entry in ClinVar:

NM_000301.5(PLG):c.1143T>C (p.Asp381=)

Gene: PLG (plasminogen; plus strand). Cytogenetic location: 6q26.
Variant type: single nucleotide variant.
Coding change: c.1143T>C on transcript NM_000301.5 (MANE Select); coding-DNA position 1143, T replaced by C.
Protein change: p.Asp381=; no amino-acid change (aspartic acid 381 retained).
Molecular consequence: synonymous variant.
Genome position (GRCh38, 1-based): chr6:160,722,454, T>C. VCF-style: chr6-160722454-T-C. GRCh37 (hg19) VCF-style: chr6-161143486-T-C.
Identifiers: ClinVar variation 3042511 (VCV003042511.2), dbSNP rs749182016, ClinGen allele CA4087691.

ClinVar aggregate classification (germline): Likely benign (0 of 4 stars; one submission).

Conditions:
PLG-related disorder. Also called: PLG-related condition.

Allele frequency attached by ClinVar (database versions not stated): TOPMed below 0.00001; gnomAD 0.00003; gnomAD exomes 0.00009; ExAC 0.00016.
gnomAD v4.1: 138 of 1,613,372 alleles (0.0086%); highest among the groups gnomAD compares: South Asian, 0.15%; no homozygotes.

Submission:

PreventionGenetics, part of Exact Sciences
Classification: Likely benign for PLG-related condition. Last evaluated: 2019-06-20. Review status: no assertion criteria provided. Collection method: clinical testing. Allele origin: germline.
Comment: This variant is classified as likely benign based on ACMG/AMP sequence variant interpretation guidelines (Richards et al. 2015 PMID: 25741868, with internal and published modifications).